The following is an entry in ClinVar:

NM_001290060.2(SEMA3B):c.1208G>A (p.Arg403Gln)

Gene: SEMA3B (semaphorin 3B; plus strand). Cytogenetic location: 3p21.31.
Variant type: single nucleotide variant.
Coding change: c.1208G>A on transcript NM_001290060.2 (MANE Select); coding-DNA position 1208, G replaced by A.
Protein change: p.Arg403Gln; replaces arginine 403 with glutamine.
Molecular consequence: missense variant. On other transcripts: non-coding transcript variant (1).
Genome position (GRCh38, 1-based): chr3:50,274,433, G>A. VCF-style: chr3-50274433-G-A. GRCh37 (hg19) VCF-style: chr3-50311864-G-A.
Other names: c.1205G>A, p.Arg402Gln (NM_001005914.3, NM_001435957.1, NM_001435958.1); c.1223G>A, p.Arg408Gln (NM_001290061.1); c.179G>A, p.Arg60Gln (NM_001290062.2, NM_001290063.2); c.1208G>A, p.Arg403Gln (NM_001435956.1, NM_004636.4); short protein forms R402Q, R408Q, R60Q, R403Q.
Identifiers: ClinVar variation 4987222 (VCV004987222.1).
Genomic context (GRCh38, chr3:50,274,433, plus strand): 5'-AGACCTTTGGCACCTTCAGTTCCACCAAGGACTTCCCAGACGATGTCATCCAGTTTGCGC[G>A]GAACCACCCCCTCATGTACAACTCTGTCCTGCCCACTGGGGGGCGCCCTCTTTTCCTACA-3'
Protein context (NP_001276989.1, residues 393-413): DFPDDVIQFA[Arg403Gln]NHPLMYNSVL

ClinVar aggregate classification (germline): Uncertain significance (1 of 4 stars; one submission).

Conditions:
SEMA3B-related disorder. Also called: SEMA3B-related condition.

gnomAD v4.1: 3 of 1,518,776 alleles (0.0002%); highest among the groups gnomAD compares: South Asian, 0.0027%; no homozygotes.

Submission:

PreventionGenetics, part of Exact Sciences
Classification: Uncertain significance for SEMA3B-related condition. Last evaluated: 2025-01-21. Review status: criteria provided, single submitter. Criteria: ACMG Guidelines, 2015. Collection method: clinical testing. Allele origin: germline.
Comment: The SEMA3B c.1223G>A variant is predicted to result in the amino acid substitution p.Arg408Gln. To our knowledge, this variant has not been reported in the literature. This variant is reported in 0.0049% of alleles in individuals of Latino descent in gnomAD. At this time, the clinical significance of this variant is uncertain due to the absence of conclusive functional and genetic evidence.